The following is an entry in ClinVar:

NM_000275.3(OCA2):c.1715G>C (p.Arg572Pro)

Gene: OCA2 (OCA2 melanosomal transmembrane protein; minus strand). Cytogenetic location: 15q13.1.
Variant type: single nucleotide variant.
Coding change: c.1715G>C on transcript NM_000275.3 (MANE Select); coding-DNA position 1715, G replaced by C.
Protein change: p.Arg572Pro; replaces arginine 572 with proline.
Molecular consequence: missense variant.
Genome position (GRCh38, 1-based): chr15:27,957,657, C>G on the plus strand (G>C on the coding strand, the complement: OCA2 is on the minus strand). VCF-style: chr15-27957657-C-G. GRCh37 (hg19) VCF-style: chr15-28202803-C-G.
Other names: c.1643G>C, p.Arg548Pro (NM_001300984.2); c.1715G>C (NM_000275.2); short protein forms R548P, R572P.
Identifiers: ClinVar variation 2910366 (VCV002910366.5), dbSNP rs754265614, ClinGen allele CA267883638.

ClinVar aggregate classification (germline): Conflicting classifications of pathogenicity. Review status: criteria provided, conflicting classifications (1 of 4 stars). 3 submissions from 3 submitters: Likely pathogenic (1); Uncertain significance (2). Last evaluated 2025-10-31.

gnomAD v4.1: 4 of 1,612,966 alleles (0.00025%); highest among the groups gnomAD compares: African/African-American, 0.0053%; no homozygotes.

Submissions (3):

Women's Health and Genetics/Laboratory Corporation of America, LabCorp
Classification: Uncertain significance. Last evaluated: 2025-10-31. Review status: criteria provided, single submitter. Criteria: LabCorp Variant Classification Summary - May 2015. Collection method: clinical testing. Allele origin: germline.
Comment: Variant summary: OCA2 c.1715G>C (p.Arg572Pro) results in a non-conservative amino acid change in the encoded protein sequence. Algorithms developed to predict the effect of missense changes on protein structure and function all suggest that this variant is likely to be disruptive. The variant was absent in 246066 control chromosomes (gnomAD). The available data on variant occurrences in the general population are insufficient to allow any conclusion about variant significance. c.1715G>C has been observed in one individual affected with Oculocutaneous Albinism (Lasseaux_2018). These report does not provide unequivocal conclusions about association of the variant with Oculocutaneous Albinism. To our knowledge, no experimental evidence demonstrating an impact on protein function has been reported. The following publication have been ascertained in the context of this evaluation (PMID: 29345414). ClinVar contains an entry for this variant (Variation ID: 2910366). Based on the evidence outlined above, the variant was classified as uncertain significance.

GeneDx
Classification: Likely pathogenic. Last evaluated: 2024-09-07. Review status: criteria provided, single submitter. Criteria: GeneDx Variant Classification Process June 2021. Collection method: clinical testing. Allele origin: germline. Affected: yes.
Comment: Not observed at significant frequency in large population cohorts (gnomAD); In silico analysis supports that this missense variant has a deleterious effect on protein structure/function; This variant is associated with the following publications: (PMID: 29345414)

Labcorp Genetics (formerly Invitae), Labcorp
Classification: Uncertain significance. Last evaluated: 2022-11-14. Review status: criteria provided, single submitter. Criteria: Invitae Variant Classification Sherloc (09022015). Collection method: clinical testing. Allele origin: germline.
Comment: This missense change has been observed in individuals with oculocutaneous albinism (PMID: 29345414; Invitae). This variant is not present in population databases (gnomAD no frequency). This sequence change replaces arginine, which is basic and polar, with proline, which is neutral and non-polar, at codon 572 of the OCA2 protein (p.Arg572Pro). Advanced modeling of protein sequence and biophysical properties (such as structural, functional, and spatial information, amino acid conservation, physicochemical variation, residue mobility, and thermodynamic stability) performed at Invitae indicates that this missense variant is not expected to disrupt OCA2 protein function. In summary, the available evidence is currently insufficient to determine the role of this variant in disease. Therefore, it has been classified as a Variant of Uncertain Significance. This variant disrupts the p.Arg572 amino acid residue in OCA2. Other variant(s) that disrupt this residue have been observed in individuals with OCA2-related conditions (PMID: 29345414, 31196117; Invitae), which suggests that this may be a clinically significant amino acid residue.

Literature cited by the submitters: PubMed 29345414 (cited by Women's Health and Genetics/Laboratory Corporation of America, LabCorp and Labcorp Genetics (formerly Invitae), Labcorp); PubMed 31196117 (cited by Labcorp Genetics (formerly Invitae), Labcorp).